The following is an entry in ClinVar:

ClinVar aggregate classification (germline): Pathogenic (1 of 4 stars; one submission).

Conditions:
Multiple endocrine neoplasia, type 1 (MEN1). Also called: Endocrine adenomatosis multiple; MEN 1; MEA I; MEN I; WERMER SYNDROME. Identifiers: Orphanet 652, MedGen C0025267, MeSH D018761, MONDO:0007540, OMIM 131100.

Submission:

Labcorp Genetics (formerly Invitae), Labcorp
Classification: Pathogenic for Multiple endocrine neoplasia, type 1. Last evaluated: 2025-08-18. Review status: criteria provided, single submitter. Criteria: Invitae Variant Classification Sherloc (09022015). Collection method: clinical testing. Allele origin: germline.
Comment: This variant, c.1078_1089del, results in the deletion of 4 amino acid(s) of the MEN1 protein (p.Ile360_Glu363del), but otherwise preserves the integrity of the reading frame. This variant is not present in population databases (gnomAD no frequency). This variant has not been reported in the literature in individuals affected with MEN1-related conditions. This variant disrupts a region of the MEN1 protein in which other variant(s) (p.Glu363del) have been determined to be pathogenic (PMID: 9215689, 11454510, 12050235, 22026581). This suggests that this is a clinically significant region of the protein, and that variants that disrupt it are likely to be disease-causing. For these reasons, this variant has been classified as Pathogenic.

Literature cited by the submitters: PubMed 9215689; PubMed 11454510; PubMed 12050235; PubMed 22026581.

NM_001370259.2(MEN1):c.1078_1089del (p.Ile360_Glu363del)

Gene: MEN1 (menin 1; minus strand). Cytogenetic location: 11q13.1.
Variant type: Deletion.
Coding change: c.1078_1089del on transcript NM_001370259.2 (MANE Select); coding-DNA positions 1078 to 1089, 12 bases deleted (ATCTACAAGGAG).
Protein change: p.Ile360_Glu363del.
Molecular consequence: inframe deletion. On other transcripts: non-coding transcript variant (4).
Genome position (GRCh38, 1-based): chr11:64,805,731-64,805,742, CTCCTTGTAGAT deleted on the plus strand (ATCTACAAGGAG on the coding strand, the reverse complement: MEN1 is on the minus strand); deleting any 12 consecutive bases within chr11:64,805,731-64,805,747 gives the same sequence; the c. name uses the placement nearest the transcript's 3' end. VCF-style (leftmost placement, unchanged base first): chr11-64805730-ACTCCTTGTAGAT-A. GRCh37 (hg19) VCF-style: chr11-64573202-ACTCCTTGTAGAT-A.
Other names: c.1204_1215del, p.Ile402_Glu405del (NM_001407143.1, NM_001407144.1, NM_001370251.2 and 1 more transcripts); c.1093_1104del, p.Ile365_Glu368del (NM_001407145.1, NM_130800.3, NM_130801.3 and 4 more transcripts); c.1078_1089del, p.Ile360_Glu363del (NM_001407146.1, NM_001407147.1, NM_001407152.1 and 3 more transcripts); c.973_984del, p.Ile325_Glu328del (NM_001407148.1, NM_001407149.1, NM_001370262.2 and 1 more transcripts); c.1219_1230del, p.Ile407_Glu410del (NM_001407150.1); c.1099_1110del, p.Ile367_Glu370del (NM_001407151.1).
Identifiers: ClinVar variation 4725658 (VCV004725658.1).